The following is an entry in ClinVar:

NM_181712.5(KANK4):c.353C>T (p.Ala118Val)

Gene: KANK4 (KN motif and ankyrin repeat domains 4; minus strand). Cytogenetic location: 1p31.3.
Variant type: single nucleotide variant.
Coding change: c.353C>T on transcript NM_181712.5 (MANE Select); coding-DNA position 353, C replaced by T.
Protein change: p.Ala118Val; replaces alanine 118 with valine.
Molecular consequence: missense variant. On other transcripts: intron variant (1).
Genome position (GRCh38, 1-based): chr1:62,274,751, G>A on the plus strand (C>T on the coding strand, the complement: KANK4 is on the minus strand). VCF-style: chr1-62274751-G-A. GRCh37 (hg19) VCF-style: chr1-62740423-G-A.
Other names: c.17-3162C>T (NM_001320269.2); short protein forms A118V.
Identifiers: ClinVar variation 4691569 (VCV004691569.1).

ClinVar aggregate classification (germline): Uncertain significance (1 of 4 stars; one submission).

gnomAD v4.1: 5 of 1,613,996 alleles (0.00031%); highest among the groups gnomAD compares: Non-Finnish European, 0.00042%; no homozygotes.

Submission:

Labcorp Genetics (formerly Invitae), Labcorp
Classification: Uncertain significance. Last evaluated: 2025-03-13. Review status: criteria provided, single submitter. Criteria: Invitae Variant Classification Sherloc (09022015). Collection method: clinical testing. Allele origin: germline.
Comment: This sequence change replaces alanine, which is neutral and non-polar, with valine, which is neutral and non-polar, at codon 118 of the KANK4 protein (p.Ala118Val). This variant is present in population databases (rs768077936, gnomAD 0.002%). This variant has not been reported in the literature in individuals affected with KANK4-related conditions. An algorithm developed to predict the effect of missense changes on protein structure and function (PolyPhen-2) suggests that this variant is likely to be tolerated. In summary, the available evidence is currently insufficient to determine the role of this variant in disease. Therefore, it has been classified as a Variant of Uncertain Significance.